The following is an entry in ClinVar:

ClinVar aggregate classification (germline): Uncertain significance (1 of 4 stars; one submission).

gnomAD v4.1: 1 of 1,614,156 alleles (0.000062%); no homozygotes.

Submission:

Labcorp Genetics (formerly Invitae), Labcorp
Classification: Uncertain significance. Last evaluated: 2023-12-11. Review status: criteria provided, single submitter. Criteria: Invitae Variant Classification Sherloc (09022015). Collection method: clinical testing. Allele origin: germline.
Comment: This sequence change replaces alanine, which is neutral and non-polar, with threonine, which is neutral and polar, at codon 3993 of the FAT2 protein (p.Ala3993Thr). This variant is present in population databases (no rsID available, gnomAD no frequency). This variant has not been reported in the literature in individuals affected with FAT2-related conditions. Algorithms developed to predict the effect of missense changes on protein structure and function output the following: SIFT: "Not Available"; PolyPhen-2: "Benign"; Align-GVGD: "Not Available". The threonine amino acid residue is found in multiple mammalian species, which suggests that this missense change does not adversely affect protein function. In summary, the available evidence is currently insufficient to determine the role of this variant in disease. Therefore, it has been classified as a Variant of Uncertain Significance.

NM_001447.3(FAT2):c.11977G>A (p.Ala3993Thr)

Genes: FAT2 (FAT atypical cadherin 2; minus strand), SLC36A1 (solute carrier family 36 member 1; plus strand). Cytogenetic location: 5q33.1.
Variant type: single nucleotide variant.
Coding change: c.11977G>A on transcript NM_001447.3 (MANE Select); coding-DNA position 11977, G replaced by A.
Protein change: p.Ala3993Thr; replaces alanine 3993 with threonine.
Molecular consequence: missense variant.
Genome position (GRCh38, 1-based): chr5:151,510,103, C>T on the plus strand (G>A on the coding strand, the complement: FAT2 is on the minus strand). VCF-style: chr5-151510103-C-T. GRCh37 (hg19) VCF-style: chr5-150889664-C-T.
Other names: short protein forms A3993T.
Identifiers: ClinVar variation 2958153 (VCV002958153.3), dbSNP rs1309062708, ClinGen allele CA361820862.
Genomic context (GRCh38, chr5:151,510,103, plus strand): 5'-GGCAGTTACAGGAAGCTCCTTTGGGGGAGAGGATGCAAGTTCCACCTTCCAGGCAGGGTG[C>T]AAAAGTACAGTTCTCCCTTCCTTGTTCACAGTGCTTCCCAGAGAACTGTGGGGGACATTT-3'
Protein context (NP_001438.1, residues 3983-4003): CEQGRENCTF[Ala3993Thr]PCLEGGTCIL